The following is an entry in ClinVar:

ClinVar aggregate classification (germline): Likely pathogenic (1 of 4 stars; one submission).

Conditions:
Hereditary factor VIII deficiency disease (HEMA). Also called: HEMOPHILIA, CLASSIC; AUTOSOMAL HEMOPHILIA A; Hemophilia A; Hemophilia A, congenital; HEM A; Factor 8 deficiency, congenital. Identifiers: Orphanet 98878, MedGen C0019069, MONDO:0010602, OMIM 306700.

Submission:

ARUP Laboratories, Molecular Genetics and Genomics, ARUP Laboratories
Classification: Likely pathogenic for Hereditary factor VIII deficiency disease. Last evaluated: 2020-12-24. Review status: criteria provided, single submitter. Criteria: ARUP Molecular Germline Variant Investigation Process 2021. Collection method: clinical testing. Allele origin: germline.
Comment: The F8 c.2101A>G; p.Met701Val variant is reported in the literature in multiple individuals affected with mild hemophilia A (see F8 database and references therein, Rydz 2013). In vitro functional analyses demonstrate that individuals with this variant have factor VIII activity between 15-27% (F8 database, Rydz 2013). This variant is absent from general population databases (Exome Variant Server, Genome Aggregation Database), indicating it is not a common polymorphism. The methionine at codon 701 is highly conserved, but computational analyses are uncertain whether this variant is neutral or deleterious (REVEL: 0.549). Additionally, other amino acid substitutions at this codon (Thr, Leu, Ile) have been reported in individuals with mild hemophilia A and are considered pathogenic (Johnsen 2017, Rydz 2013). Based on available information, the p.Met701Val variant is considered to be likely pathogenic. References: F8 Database: Johnsen JM et al. Novel approach to genetic analysis and results in 3000 hemophilia patients enrolled in the My Life, Our Future initiative. Blood Adv. 2017 May 18;1(13):824-834. Rydz N et al. The Canadian "National Program for hemophilia mutation testing" database: a ten-year review. Am J Hematol. 2013 Dec;88(12):1030-4.

NM_000132.4(F8):c.2101A>G (p.Met701Val)

Gene: F8 (coagulation factor VIII; minus strand). Cytogenetic location: Xq28.
Variant type: single nucleotide variant.
Coding change: c.2101A>G on transcript NM_000132.4 (MANE Select); coding-DNA position 2101, A replaced by G.
Protein change: p.Met701Val; replaces methionine 701 with valine.
Molecular consequence: missense variant.
Genome position (GRCh38, 1-based): chrX:154,947,710, T>C on the plus strand (A>G on the coding strand, the complement: F8 is on the minus strand). VCF-style: chrX-154947710-T-C. GRCh37 (hg19) VCF-style: chrX-154175985-T-C.
Other names: short protein forms M701V.
Identifiers: ClinVar variation 1330854 (VCV001330854.7), dbSNP rs2073313804, ClinGen allele CA414908938.